The following is an entry in ClinVar:

ClinVar aggregate classification (germline): Likely pathogenic. Review status: criteria provided, multiple submitters, no conflicts (2 of 4 stars). 3 submissions from 3 submitters: Likely pathogenic (3). Last evaluated 2025-09-10.

Conditions:
Gaze palsy, familial horizontal, with progressive scoliosis 1 (HGPPS1). Identifiers: Orphanet 2744, MedGen C4551964, MONDO:0020790, OMIM 607313.

Allele frequency attached by ClinVar (database versions not stated): gnomAD exomes below 0.00001.

Submissions (3):

Genomic Medicine Center of Excellence, King Faisal Specialist Hospital and Research Centre
Classification: Likely pathogenic for Gaze palsy, familial horizontal, with progressive scoliosis 1. Last evaluated: 2025-09-10. Review status: criteria provided, single submitter. Criteria: ACMG Guidelines, 2015. Collection method: clinical testing. Allele origin: germline.

Institute of Human Genetics, University of Leipzig Medical Center
Classification: Likely pathogenic for Gaze palsy, familial horizontal, with progressive scoliosis 1. Last evaluated: 2021-01-09. Review status: criteria provided, single submitter. Criteria: ACMG Guidelines, 2015. Collection method: curation. Allele origin: germline. Inheritance: Autosomal recessive inheritance. Affected: yes.
Comment: This ROBO3 variant was reported as Pathogenicâ€‹ in PMID: 19041479 with original nomenclature reported as c.2312C>T (p.Pro771Leu). Variant was re-classified as Likely Pathogenic based on the criteria PM2_Supporting, PM3_Moderate, PP4_Supporting, BP4_Supporting.

Pathology and Clinical Laboratory Medicine, King Fahad Medical City
Classification: Likely pathogenic for Gaze palsy, familial horizontal, with progressive scoliosis 1. Review status: criteria provided, single submitter. Criteria: ACMG Guidelines, 2015. Collection method: clinical testing. Allele origin: germline. Affected: yes. Observed: 1 variant allele.

Literature cited by the submitters: PubMed 19041479 (cited by Institute of Human Genetics, University of Leipzig Medical Center).

NM_022370.4(ROBO3):c.2312C>T (p.Pro771Leu)

Gene: ROBO3 (roundabout guidance receptor 3; plus strand). Cytogenetic location: 11q24.2.
Variant type: single nucleotide variant.
Coding change: c.2312C>T on transcript NM_022370.4 (MANE Select); coding-DNA position 2312, C replaced by T.
Protein change: p.Pro771Leu; replaces proline 771 with leucine.
Molecular consequence: missense variant.
Genome position (GRCh38, 1-based): chr11:124,875,576, C>T. VCF-style: chr11-124875576-C-T. GRCh37 (hg19) VCF-style: chr11-124745472-C-T.
Other names: c.2312C>T (NM_022370.3); short protein forms P771L.
Identifiers: ClinVar variation 996102 (VCV000996102.3), dbSNP rs1946347156, ClinGen allele CA383147639.
Genomic context (GRCh38, chr11:124,875,576, plus strand): 5'-TTGCAATGACTATTTGTGTCCTTCTCACCATGCTCCACCCTGGCCCAGCCCCCAGTGGCC[C>T]CCCACAGGGAGTGGCGGTGGCCTTGGGGGGTGATGGCAACAGCAGTATCACTGTGTCCTG-3'
Protein context (NP_071765.2, residues 761-781): RSIPEEAPSG[Pro771Leu]PQGVAVALGG